The following is an entry in ClinVar:

ClinVar aggregate classification (germline): Likely benign (1 of 4 stars; one submission).

Conditions:
KMT2D-related disorder. Also called: KMT2D-Related Disorders.

Submission:

PreventionGenetics, part of Exact Sciences
Classification: Likely benign for KMT2D-related condition. Last evaluated: 2026-04-25. Review status: criteria provided, single submitter. Criteria: ACMG Guidelines, 2015. Collection method: clinical testing. Allele origin: germline.
Comment: This variant is classified as likely benign based on ACMG/AMP sequence variant interpretation guidelines (Richards et al. 2015 PMID: 25741868, with internal and published modifications).

NM_003482.4(KMT2D):c.14000-8C>T

Gene: KMT2D (lysine methyltransferase 2D; minus strand). Cytogenetic location: 12q13.12.
Variant type: single nucleotide variant.
Coding change: c.14000-8C>T on transcript NM_003482.4 (MANE Select); 8 bases into the intron before coding-DNA position 14000, C replaced by T.
Molecular consequence: intron variant.
Genome position (GRCh38, 1-based): chr12:49,029,484, G>A on the plus strand (C>T on the coding strand, the complement: KMT2D is on the minus strand). VCF-style: chr12-49029484-G-A. GRCh37 (hg19) VCF-style: chr12-49423267-G-A.
Identifiers: ClinVar variation 4997660 (VCV004997660.1).
Genomic context (GRCh38, chr12:49,029,484, plus strand): 5'-AGGGGGTGTAGGCAAGGCAGCCAGCAGGTCTAGACTCTTCACCTCTGAAGTATCTGAGGG[G>A]TGGGTAGGGAGAAGAAAAGTCAGGTGAGGGTGGCCAGGGCTGATGGTACCTTCTCCCAAT-3'